The following is an entry in ClinVar:

NM_012254.3(SLC27A5):c.1196G>A (p.Arg399Gln)

Gene: SLC27A5 (solute carrier family 27 member 5; minus strand). Cytogenetic location: 19q13.43.
Variant type: single nucleotide variant.
Coding change: c.1196G>A on transcript NM_012254.3 (MANE Select); coding-DNA position 1196, G replaced by A.
Protein change: p.Arg399Gln; replaces arginine 399 with glutamine.
Molecular consequence: missense variant.
Genome position (GRCh38, 1-based): chr19:58,500,693, C>T on the plus strand (G>A on the coding strand, the complement: SLC27A5 is on the minus strand). VCF-style: chr19-58500693-C-T. GRCh37 (hg19) VCF-style: chr19-59012060-C-T.
Other names: p.Arg399Gln; c.1196G>A (NM_012254.2); c.944G>A, p.Arg315Gln (NM_001321196.2); short protein forms R399Q, R315Q.
Identifiers: ClinVar variation 598234 (VCV000598234.12), dbSNP rs148488764, ClinGen allele CA9718064.

ClinVar aggregate classification (germline): Uncertain significance. Review status: criteria provided, multiple submitters, no conflicts (2 of 4 stars). 5 submissions from 5 submitters: Uncertain significance (4). 1 of the submissions does not count toward it. Last evaluated 2025-10-23.

Conditions:
SLC27A5-related disorder. Also called: SLC27A5-related condition.

Allele frequency attached by ClinVar (database versions not stated): gnomAD 0.00019 and 0.00021; gnomAD exomes 0.00016 and 0.00040; TOPMed 0.00029; 1000 Genomes Project 30x 0.00047; ESP Exome Variant Server 0.00008; 1000 Genomes Project 0.00040; ExAC 0.00048.
gnomAD v4.1: 264 of 1,613,514 alleles (0.016%); highest among the groups gnomAD compares: Admixed American, 0.13%; 1 homozygote.

Submissions (5):

Labcorp Genetics (formerly Invitae), Labcorp
Classification: Uncertain significance. Last evaluated: 2025-10-23. Review status: criteria provided, single submitter. Criteria: Invitae Variant Classification Sherloc (09022015). Collection method: clinical testing. Allele origin: germline.
Comment: This sequence change replaces arginine, which is basic and polar, with glutamine, which is neutral and polar, at codon 399 of the SLC27A5 protein (p.Arg399Gln). This variant is present in population databases (rs148488764, gnomAD 0.1%), and has an allele count higher than expected for a pathogenic variant. This variant has not been reported in the literature in individuals affected with SLC27A5-related conditions. ClinVar contains an entry for this variant (Variation ID: 598234). An algorithm developed to predict the effect of missense changes on protein structure and function outputs the following: PolyPhen-2: "Benign". The glutamine amino acid residue is found in multiple mammalian species, which suggests that this missense change does not adversely affect protein function. In summary, the available evidence is currently insufficient to determine the role of this variant in disease. Therefore, it has been classified as a Variant of Uncertain Significance.

Mayo Clinic Laboratories, Mayo Clinic
Classification: Uncertain significance. Last evaluated: 2024-10-28. Review status: criteria provided, single submitter. Criteria: ACMG Guidelines, 2015. Collection method: clinical testing. Allele origin: germline. Observed: 3 variant alleles.
Comment: BP4

Eurofins Ntd Llc (ga)
Classification: Uncertain significance. Last evaluated: 2018-07-31. Review status: criteria provided, single submitter. Criteria: EGL ClinVar v180209 classification definitions. Collection method: clinical testing. Allele origin: germline. Observed: 1 variant allele, 1 heterozygote.

Breakthrough Genomics
Classification: Uncertain significance. Review status: criteria provided, single submitter. Criteria: ACMG Guidelines, 2015. Collection method: not provided. Allele origin: germline. Inheritance: Autosomal dominant inheritance. Affected: yes.

PreventionGenetics, part of Exact Sciences
Classification: Uncertain significance for SLC27A5-related condition. Last evaluated: 2024-05-20. Review status: no assertion criteria provided. Collection method: clinical testing. Allele origin: germline. Not counted in ClinVar's aggregate classification.
Comment: The SLC27A5 c.1196G>A variant is predicted to result in the amino acid substitution p.Arg399Gln. To our knowledge, this variant has not been reported in the literature. This variant is reported in 0.14% of alleles in individuals of Latino descent in gnomAD, which may be too common to be an undocumented primary cause of disease. Although we suspect that this variant may be benign, at this time, the clinical significance is uncertain due to the absence of conclusive functional and genetic evidence.